The following is an entry in ClinVar:

NM_001365999.1(SZT2):c.2929+1G>A

Gene: SZT2 (SZT2 subunit of KICSTOR complex; plus strand). Cytogenetic location: 1p34.2.
Variant type: single nucleotide variant.
Coding change: c.2929+1G>A on transcript NM_001365999.1 (MANE Select); the canonical splice donor site of the intron after coding-DNA position 2929, G replaced by A.
Molecular consequence: splice donor variant.
Genome position (GRCh38, 1-based): chr1:43,425,950, G>A. VCF-style: chr1-43425950-G-A. GRCh37 (hg19) VCF-style: chr1-43891621-G-A.
Other names: IVS20DS, G-A, +1; c.2929+1G>A (NM_015284.4).
Identifiers: ClinVar variation 997439 (VCV000997439.6), dbSNP rs1295389410, ClinGen allele CA340015907.
Genomic context (GRCh38, chr1:43,425,950, plus strand): 5'-TACAGCTGTGTCAGAGCAAGGAATGGGGTCCTCTGCCCCCAGAGCCGAGGGTCTCTGATG[G>A]TGAGTGGGGCAGGCGGCCCACTGGTGGAGCAGGGGAGTGGGTAGGGTAATCTGCGTCTCA-3'

ClinVar aggregate classification (germline): Pathogenic. Review status: criteria provided, single submitter (1 of 4 stars). 2 submissions from 2 submitters: Pathogenic (1). 1 of the submissions does not count toward it. Last evaluated 2025-09-10.

Conditions:
Developmental and epileptic encephalopathy, 18 (DEE18). Also called: Early infantile epileptic encephalopathy 18. Identifiers: Orphanet 369894, MedGen C3809624, MONDO:0014201, OMIM 615476.

Allele frequency attached by ClinVar (database versions not stated): TOPMed below 0.00001; gnomAD 0.00001.
gnomAD v4.1: 1 of 1,613,892 alleles (0.000062%); highest among the groups gnomAD compares: Non-Finnish European, 0.000085%; no homozygotes.

Submissions (2):

Labcorp Genetics (formerly Invitae), Labcorp
Classification: Pathogenic. Last evaluated: 2025-09-10. Review status: criteria provided, single submitter. Criteria: Invitae Variant Classification Sherloc (09022015). Collection method: clinical testing. Allele origin: germline.
Comment: This sequence change affects a donor splice site in intron 20 of the SZT2 gene. RNA analysis indicates that disruption of this splice site induces altered splicing and may result in an absent or altered protein product. This variant is not present in population databases (gnomAD no frequency). Disruption of this splice site has been observed in individual(s) with early-onset epileptic encephalopathy (PMID: 28556953). In at least one individual the data is consistent with being in trans (on the opposite chromosome) from a pathogenic variant. ClinVar contains an entry for this variant (Variation ID: 997439). Studies have shown that disruption of this splice site results in skipping of exon 20, and produces a non-functional protein and/or introduces a premature termination codon (PMID: 28556953). For these reasons, this variant has been classified as Pathogenic.

OMIM
Classification: Pathogenic for DEVELOPMENTAL AND EPILEPTIC ENCEPHALOPATHY 18. Last evaluated: 2021-02-19. Review status: no assertion criteria provided. Collection method: literature only. Allele origin: germline. Not counted in ClinVar's aggregate classification.

Literature cited by the submitters: PubMed 28556953 (cited by Labcorp Genetics (formerly Invitae), Labcorp and OMIM).